The following is an entry in ClinVar:

ClinVar aggregate classification (germline): Uncertain significance. Review status: criteria provided, multiple submitters, no conflicts (2 of 4 stars). 5 submissions from 5 submitters: Uncertain significance (5). Last evaluated 2026-01-15.

Conditions:
POLG-related disorder. Also called: POLG-related condition; POLG-Related Disorders; POLG-Related Spectrum Disorders. Identifiers: MedGen C4763519.
Inborn genetic diseases. Identifiers: MedGen C0950123, MeSH D030342.
Progressive sclerosing poliodystrophy (MTDPS4A). Also called: Mitochondrial DNA depletion syndrome 4A (Alpers type); ALPERS PROGRESSIVE INFANTILE POLIODYSTROPHY; Alpers-Huttenlocher Syndrome; Alpers-Huttenlocher Syndrome (AHS); ALPERS DIFFUSE DEGENERATION OF CEREBRAL GRAY MATTER WITH HEPATIC CIRRHOSIS; NEURONAL DEGENERATION OF CHILDHOOD WITH LIVER DISEASE, PROGRESSIVE. Identifiers: Orphanet 726, MedGen C0205710, MONDO:0008758, OMIM 203700.

Allele frequency attached by ClinVar (database versions not stated): ExAC 0.00002; gnomAD exomes 0.00002; gnomAD 0.00007 and 0.00008; TOPMed 0.00012.
gnomAD v4.1: 31 of 1,613,686 alleles (0.0019%); highest among the groups gnomAD compares: African/African-American, 0.037%; no homozygotes.

Submissions (5):

Dasa
Classification: Uncertain significance. Last evaluated: 2026-01-15. Review status: criteria provided, single submitter. Criteria: DASA Assertion Criteria. Collection method: clinical testing. Allele origin: germline.
Comment: NM_002693.3(POLG):c.744G>C (p.Glu248Asp) is a missense variant that results in the substitution of glutamic acid with aspartic acid. This variant is rare in population databases. The currently available literature and clinical evidence are not sufficient to establish a definitive association between this variant and the reported condition. Therefore, this variant is classified as a variant of uncertain significance.

PreventionGenetics, part of Exact Sciences
Classification: Uncertain significance for POLG-related condition. Last evaluated: 2025-11-19. Review status: criteria provided, single submitter. Criteria: ACMG Guidelines, 2015. Collection method: clinical testing. Allele origin: germline.
Comment: The POLG c.744G>C variant is predicted to result in the amino acid substitution p.Glu248Asp. To our knowledge, this variant has not been reported in the literature. This variant is reported in 0.036% of alleles in individuals of African descent in gnomAD. At this time, the clinical significance of this variant is uncertain due to the absence of conclusive functional and genetic evidence.

GeneDx
Classification: Uncertain significance. Last evaluated: 2025-06-17. Review status: criteria provided, single submitter. Criteria: GeneDx Variant Classification Process June 2021. Collection method: clinical testing. Allele origin: germline. Affected: yes.
Comment: In silico analysis suggests that this missense variant does not alter protein structure/function; Has not been previously published as pathogenic or benign to our knowledge

Ambry Genetics
Classification: Uncertain significance for Inborn genetic diseases. Last evaluated: 2024-11-15. Review status: criteria provided, single submitter. Criteria: Ambry Variant Classification Scheme 2023. Collection method: clinical testing. Allele origin: germline.
Comment: The c.744G>C (p.E248D) alteration is located in exon 3 (coding exon 2) of the POLG gene. This alteration results from a G to C substitution at nucleotide position 744, causing the glutamic acid (E) at amino acid position 248 to be replaced by an aspartic acid (D). Based on data from the Genome Aggregation Database (gnomAD) database, the POLG c.744G>C alteration was observed in <0.01% (9/282540) of total alleles studied, with a frequency of 0.04% (9/24944) in the African subpopulation. This amino acid position is well conserved in available vertebrate species. The p.E248D alteration is predicted to be tolerated by in silico analysis. Based on insufficient or conflicting evidence, the clinical significance of this alteration remains unclear.

Labcorp Genetics (formerly Invitae), Labcorp
Classification: Uncertain significance for Progressive sclerosing poliodystrophy. Last evaluated: 2024-10-31. Review status: criteria provided, single submitter. Criteria: Invitae Variant Classification Sherloc (09022015). Collection method: clinical testing. Allele origin: germline.
Comment: This sequence change replaces glutamic acid, which is acidic and polar, with aspartic acid, which is acidic and polar, at codon 248 of the POLG protein (p.Glu248Asp). This variant is present in population databases (rs753407311, gnomAD 0.04%). This variant has not been reported in the literature in individuals affected with POLG-related conditions. ClinVar contains an entry for this variant (Variation ID: 431892). Invitae Evidence Modeling of protein sequence and biophysical properties (such as structural, functional, and spatial information, amino acid conservation, physicochemical variation, residue mobility, and thermodynamic stability) indicates that this missense variant is not expected to disrupt POLG protein function with a negative predictive value of 95%. In summary, the available evidence is currently insufficient to determine the role of this variant in disease. Therefore, it has been classified as a Variant of Uncertain Significance.

NM_002693.3(POLG):c.744G>C (p.Glu248Asp)

Gene: POLG (DNA polymerase gamma, catalytic subunit; minus strand). Cytogenetic location: 15q26.1.
Variant type: single nucleotide variant.
Coding change: c.744G>C on transcript NM_002693.3 (MANE Select); coding-DNA position 744, G replaced by C.
Protein change: p.Glu248Asp; replaces glutamic acid 248 with aspartic acid.
Molecular consequence: missense variant.
Genome position (GRCh38, 1-based): chr15:89,330,192, C>G on the plus strand (G>C on the coding strand, the complement: POLG is on the minus strand). VCF-style: chr15-89330192-C-G. GRCh37 (hg19) VCF-style: chr15-89873423-C-G.
Other names: c.744G>C, p.Glu248Asp (NM_001126131.2); short protein forms E248D.
Identifiers: ClinVar variation 431892 (VCV000431892.15), dbSNP rs753407311, ClinGen allele CA7725049.
Genomic context (GRCh38, chr15:89,330,192, plus strand): 5'-CCCCACCACTAACTGCTCCTGCCAGTCTCTCTGGGTGGGGCTGCTGGCACCAGTAGGGAC[C>G]TCCAGGGGGATGAGGTCAGCCGGCGACAGCTGGCTGGTCCAAGAGTAACGCTCTTCCACC-3'
Protein context (NP_002684.1, residues 238-258): QLSPADLIPL[Glu248Asp]VPTGASSPTQ